The following is an entry in ClinVar:

ClinVar aggregate classification (germline): Uncertain significance. Review status: criteria provided, multiple submitters, no conflicts (2 of 4 stars). 2 submissions from 2 submitters: Uncertain significance (2). Last evaluated 2025-08-26.

Conditions:
Gorlin syndrome. Also called: Nevoid Basal Cell Carcinoma Syndrome; Basal cell nevus syndrome. Identifiers: Orphanet 377, MedGen C0004779, MONDO:0007187.

Submissions (2):

Ambry Genetics
Classification: Uncertain significance. Last evaluated: 2025-08-26. Review status: criteria provided, single submitter. Criteria: Ambry Variant Classification Scheme 2023. Collection method: clinical testing. Allele origin: germline.

Labcorp Genetics (formerly Invitae), Labcorp
Classification: Uncertain significance for Gorlin syndrome. Last evaluated: 2021-11-05. Review status: criteria provided, single submitter. Criteria: Invitae Variant Classification Sherloc (09022015). Collection method: clinical testing. Allele origin: germline.
Comment: In summary, the available evidence is currently insufficient to determine the role of this variant in disease. Therefore, it has been classified as a Variant of Uncertain Significance. Algorithms developed to predict the effect of missense changes on protein structure and function output the following: SIFT: "Tolerated"; PolyPhen-2: "Benign"; Align-GVGD: "Class C0". The arginine amino acid residue is found in multiple mammalian species, which suggests that this missense change does not adversely affect protein function. This variant has not been reported in the literature in individuals affected with PTCH2-related conditions. This variant is not present in population databases (gnomAD no frequency). This sequence change replaces histidine, which is basic and polar, with arginine, which is basic and polar, at codon 267 of the PTCH2 protein (p.His267Arg).

NM_003738.5(PTCH2):c.800A>G (p.His267Arg)

Gene: PTCH2 (patched 2; minus strand). Cytogenetic location: 1p34.1.
Variant type: single nucleotide variant.
Coding change: c.800A>G on transcript NM_003738.5 (MANE Select); coding-DNA position 800, A replaced by G.
Protein change: p.His267Arg; replaces histidine 267 with arginine.
Molecular consequence: missense variant.
Genome position (GRCh38, 1-based): chr1:44,830,861, T>C on the plus strand (A>G on the coding strand, the complement: PTCH2 is on the minus strand). VCF-style: chr1-44830861-T-C. GRCh37 (hg19) VCF-style: chr1-45296533-T-C.
Other names: c.800A>G, p.His267Arg (NM_001166292.2); c.800A>G (NM_003738.4); short protein forms H267R.
Identifiers: ClinVar variation 1428061 (VCV001428061.7), dbSNP rs2148879096, ClinGen allele CA340105827.
Genomic context (GRCh38, chr1:44,830,861, plus strand): 5'-AAGGGAAGGAAAACAGCCTTTCCCTGGCAGACCTGGTTGGAACCCACCTGCCTGCTGTGA[T>C]GGTTGGGGGCACTAGGTGGGCAGTGGAGGTCATCAGGGTGCAGACAGGGCCGCCCCACGT-3'
Protein context (NP_003729.3, residues 257-277): DLHCPPSAPN[His267Arg]HSRQAPNVAH